The following is an entry in ClinVar:

ClinVar aggregate classification (germline): Benign. Review status: criteria provided, multiple submitters, no conflicts (2 of 4 stars). 8 submissions from 6 submitters: Benign (8). Last evaluated 2026-01-27.

Conditions:
Hereditary spherocytosis type 3. Also called: SPTA1-Related Spherocytosis; Spherocytosis type 3. Identifiers: Orphanet 822, MedGen C2678338, MONDO:0010053, OMIM 270970.
Elliptocytosis 2 (EL2). Also called: ELLIPTOCYTOSIS, RHESUS-UNLINKED TYPE. Identifiers: Orphanet 288, MedGen C1851741, MONDO:0007533, OMIM 130600.
Pyropoikilocytosis, hereditary. Also called: Pyropoikilocytosis. Identifiers: MedGen C0520739, MONDO:0009948, OMIM 266140, HP:0004839. Disease mechanism: loss of function.

Allele frequency attached by ClinVar (database versions not stated): gnomAD exomes 0.00775 and 0.02001; ExAC 0.02414; TOPMed 0.08738; gnomAD 0.07745 and 0.08273; ESP Exome Variant Server 0.08050; 1000 Genomes Project 0.08666; 1000 Genomes Project 30x 0.08948.

Submissions (8):

Labcorp Genetics (formerly Invitae), Labcorp
Classification: Benign. Last evaluated: 2026-01-27. Review status: criteria provided, single submitter. Criteria: Invitae Variant Classification Sherloc (09022015). Collection method: clinical testing. Allele origin: germline.

ARUP Laboratories, Molecular Genetics and Genomics, ARUP Laboratories
Classification: Benign. Last evaluated: 2025-07-28. Review status: criteria provided, single submitter. Criteria: ARUP Molecular Germline Variant Investigation Process 2024. Collection method: clinical testing. Allele origin: germline.

Illumina Laboratory Services, Illumina
Classification: Benign for Elliptocytosis 2. Last evaluated: 2018-01-12. Review status: criteria provided, single submitter. Criteria: ICSL Variant Classification Criteria 13 December 2019. Collection method: clinical testing. Allele origin: germline.
Comment: This variant was observed in the ICSL laboratory as part of a predisposition screen in an ostensibly healthy population. It had not been previously curated by ICSL or reported in the Human Gene Mutation Database (HGMD: prior to June 1st, 2018), and was therefore a candidate for classification through an automated scoring system. Utilizing variant allele frequency, disease prevalence and penetrance estimates, and inheritance mode, an automated score was calculated to assess if this variant is too frequent to cause the disease. Based on the score and internal cut-off values, a variant classified as benign is not then subjected to further curation. The score for this variant resulted in a classification of benign for this disease.

Illumina Laboratory Services, Illumina
Classification: Benign for Pyropoikilocytosis, hereditary. Last evaluated: 2018-01-12. Review status: criteria provided, single submitter. Criteria: ICSL Variant Classification Criteria 13 December 2019. Collection method: clinical testing. Allele origin: germline.
Comment: the same text as in the submission from Illumina Laboratory Services, Illumina above.

Illumina Laboratory Services, Illumina
Classification: Benign for Hereditary spherocytosis type 3. Last evaluated: 2018-01-12. Review status: criteria provided, single submitter. Criteria: ICSL Variant Classification Criteria 13 December 2019. Collection method: clinical testing. Allele origin: germline.
Comment: the same text as in the submission from Illumina Laboratory Services, Illumina above.

Mayo Clinic Laboratories, Mayo Clinic
Classification: Benign. Last evaluated: 2016-05-18. Review status: criteria provided, single submitter. Criteria: ACMG Guidelines, 2015. Collection method: clinical testing. Allele origin: germline. Observed: 258 variant alleles.

Breakthrough Genomics
Classification: Benign. Review status: criteria provided, single submitter. Criteria: ACMG Guidelines, 2015. Collection method: not provided. Allele origin: germline. Inheritance: Autosomal recessive inheritance. Affected: yes.

PreventionGenetics, part of Exact Sciences
Classification: Benign. Review status: criteria provided, single submitter. Criteria: ACMG Guidelines, 2015. Collection method: clinical testing. Allele origin: germline.

NM_003126.4(SPTA1):c.2102G>A (p.Arg701His)

Gene: SPTA1 (spectrin alpha, erythrocytic 1; minus strand). Cytogenetic location: 1q23.1.
Variant type: single nucleotide variant.
Coding change: c.2102G>A on transcript NM_003126.4 (MANE Select); coding-DNA position 2102, G replaced by A.
Protein change: p.Arg701His; replaces arginine 701 with histidine.
Molecular consequence: missense variant.
Genome position (GRCh38, 1-based): chr1:158,666,434, C>T on the plus strand (G>A on the coding strand, the complement: SPTA1 is on the minus strand). VCF-style: chr1-158666434-C-T. GRCh37 (hg19) VCF-style: chr1-158636224-C-T.
Other names: short protein forms R701H.
Identifiers: ClinVar variation 258919 (VCV000258919.29), dbSNP rs12090314, ClinGen allele CA1183514.